The following is an entry in ClinVar:

ClinVar aggregate classification (germline): Conflicting classifications of pathogenicity. Review status: criteria provided, conflicting classifications (1 of 4 stars). 6 submissions from 6 submitters: Pathogenic (2); Likely pathogenic (2); Uncertain significance (1). 1 of the submissions does not count toward it. Last evaluated 2024-10-01.

Conditions:
Charcot-Marie-Tooth disease. Also called: Charcot-Marie-Tooth Hereditary Neuropathy; Charcot-Marie-Tooth Neuropathy. Identifiers: Orphanet 166, MedGen C0007959, MONDO:0015626.
Febrile seizures, familial, 8 (FEB8). Also called: CONVULSIONS, FAMILIAL FEBRILE, 8. Identifiers: Orphanet 36387, MedGen C1969810, MONDO:0011891, OMIM 607681.
EPILEPSY, CHILDHOOD ABSENCE, SUSCEPTIBILITY TO, 2 (ECA2). Identifiers: Orphanet 64280, MedGen C1843244, OMIM 607681.

Allele frequency attached by ClinVar (database versions not stated): gnomAD exomes below 0.00001.
gnomAD v4.1: 2 of 1,613,690 alleles (0.00012%); highest among the groups gnomAD compares: Non-Finnish European, 0.000085%; no homozygotes.

Submissions (6):

CeGaT Center for Human Genetics Tuebingen
Classification: Likely pathogenic. Last evaluated: 2024-10-01. Review status: criteria provided, single submitter. Criteria: CeGaT Center For Human Genetics Tuebingen Variant Classification Criteria Version 2. Collection method: clinical testing. Allele origin: germline. Affected: yes. Observed: 1 variant allele.
Comment: GABRG2: PM2, PM5, PS4:Moderate, PP2, PP3

Labcorp Genetics (formerly Invitae), Labcorp
Classification: Pathogenic for Febrile seizures, familial, 8; EPILEPSY, CHILDHOOD ABSENCE, SUSCEPTIBILITY TO, 2. Last evaluated: 2024-09-01. Review status: criteria provided, single submitter. Criteria: Invitae Variant Classification Sherloc (09022015). Collection method: clinical testing. Allele origin: germline.
Comment: This sequence change replaces arginine, which is basic and polar, with cysteine, which is neutral and slightly polar, at codon 125 of the GABRG2 protein (p.Arg125Cys). This variant is not present in population databases (gnomAD no frequency). This missense change has been observed in individuals with clinical features of developmental and epileptic encephalopathy (PMID: 35359574; internal data). ClinVar contains an entry for this variant (Variation ID: 1321267). Invitae Evidence Modeling of protein sequence and biophysical properties (such as structural, functional, and spatial information, amino acid conservation, physicochemical variation, residue mobility, and thermodynamic stability) indicates that this missense variant is expected to disrupt GABRG2 protein function with a positive predictive value of 95%. Algorithms developed to predict the effect of sequence changes on RNA splicing suggest that this variant may create or strengthen a splice site. This variant disrupts the p.Arg125 amino acid residue in GABRG2. Other variant(s) that disrupt this residue have been determined to be pathogenic (internal data). This suggests that this residue is clinically significant, and that variants that disrupt this residue are likely to be disease-causing. For these reasons, this variant has been classified as Pathogenic.

Victorian Clinical Genetics Services, Murdoch Childrens Research Institute
Classification: Pathogenic for Febrile seizures, familial, 8. Last evaluated: 2023-07-16. Review status: criteria provided, single submitter. Criteria: ACMG Guidelines, 2015. Collection method: clinical testing. Allele origin: germline. Inheritance: Autosomal dominant inheritance. Affected: yes.
Comment: Based on the classification scheme VCGS_Germline_v1.3.4, this variant is classified as Pathogenic. Following criteria are met: 0102 - Loss of function is a known mechanism of disease in this gene and is associated with both generalized and familial febrile seizures (MIM#607681), and developmental and epileptic encephalopathy 74 (MIM#618396) (PMID: 27864268). Dominant negative is also a suggested mechanism, however the functional assays are inconclusive (PMID: 27367160). (I) 0107 - This gene is associated with autosomal dominant disease. (I) 0200 - Variant is predicted to result in a missense amino acid change from arginine to cysteine. (I) 0251 - This variant is heterozygous. (I) 0301 - Variant is absent from gnomAD (both v2 and v3). (SP) 0501 - Missense variant consistently predicted to be damaging by multiple in silico tools or highly conserved with a major amino acid change. (SP) 0600 - Variant is located in the annotated neurotransmitter-gated ion-channel ligand binding domain (DECIPHER). (I) 0704 – Another missense variant comparable to the one identified in this case has limited previous evidence for pathogenicity. This alternative change (p.(Arg125Pro)) has been reported in an individual with febrile seizures (PMID: 35359574). (SP) 0802 - This variant has limited previous evidence of pathogenicity in unrelated individuals. This variant has been reported as a VUS and as likely pathogenic, and observed in at least three individuals with febrile seizures (ClinVar, PMID: 35359574). (SP) 0905 - No published segregation evidence has been identified for this variant. (I) 1007 - No published functional evidence has been identified for this variant. (I) 1102 - Strong phenotype match for this individual. (I) Legend: (SP) - Supporting pathogenic, (I) - Information, (SB) - Supporting benign

Cambridge Genomics Laboratory, East Genomic Laboratory Hub, NHS Genomic Medicine Service
Classification: Uncertain significance for Charcot-Marie-Tooth disease. Last evaluated: 2019-12-11. Review status: criteria provided, single submitter. Criteria: ACGS Best Practice Guidelines for Variant Classification in Rare Disease 2020. Collection method: clinical testing. Allele origin: germline. Affected: yes. Observed: 1 variant allele.

Centre de Biologie Pathologie Génétique, Centre Hospitalier Universitaire de Lille
Classification: Likely pathogenic for Febrile seizures, familial, 8. Review status: criteria provided, single submitter. Criteria: ACMG Guidelines, 2015. Collection method: clinical testing. Allele origin: inherited. Affected: yes.

3billion
Classification: Uncertain significance for Febrile seizures, familial, 8. Last evaluated: 2021-10-25. Review status: flagged submission. Criteria: ACMG Guidelines, 2015. Collection method: clinical testing. Allele origin: unknown. Affected: yes. Observed: 1 heterozygote. Not counted in ClinVar's aggregate classification.
Comment: This variant is not observed in the gnomAD v2.1.1 dataset (PM2). In silico tool predictions suggest damaging effect of the variant on gene or gene product (REVEL: 0.839, 3Cnet: 0.982, PP3). Therefore, this variant is classified as uncertain significance according to the recommendation of ACMG/AMP guideline.
ClinVar note: Reason: Older claim that does not account for recent evidence

Literature cited by the submitters: PubMed 35359574 (cited by Labcorp Genetics (formerly Invitae), Labcorp and Victorian Clinical Genetics Services, Murdoch Childrens Research Institute); PubMed 27367160 (cited by Victorian Clinical Genetics Services, Murdoch Childrens Research Institute); PubMed 27864268 (cited by Victorian Clinical Genetics Services, Murdoch Childrens Research Institute).

NM_198904.4(GABRG2):c.373C>T (p.Arg125Cys)

Gene: GABRG2 (gamma-aminobutyric acid type A receptor subunit gamma2; plus strand). Cytogenetic location: 5q34.
Variant type: single nucleotide variant.
Coding change: c.373C>T on transcript NM_198904.4 (MANE Select); coding-DNA position 373, C replaced by T.
Protein change: p.Arg125Cys; replaces arginine 125 with cysteine.
Molecular consequence: missense variant. On other transcripts: intron variant (2).
Genome position (GRCh38, 1-based): chr5:162,097,683, C>T. VCF-style: chr5-162097683-C-T. GRCh37 (hg19) VCF-style: chr5-161524689-C-T.
Other names: c.373C>T, p.Arg125Cys (NM_000816.3, NM_001375340.1, NM_001375341.1 and 4 more transcripts); c.364C>T, p.Arg122Cys (NM_001375339.1); c.373C>T (NM_198904.2); c.307C>T, p.Arg103Cys (NM_001375345.1, NM_001375346.1); c.286C>T, p.Arg96Cys (NM_001375347.1); c.88C>T, p.Arg30Cys (NM_001375349.1); c.-31-17C>T (NM_001375350.1, NM_001375348.1); short protein forms R103C, R122C, R125C, R30C, R96C.
Identifiers: ClinVar variation 1321267 (VCV001321267.23), dbSNP rs2113325423, ClinGen allele CA362183875.
Genomic context (GRCh38, chr5:162,097,683, plus strand): 5'-ATTTTATTAAAACAGGAATACACTATTGATATATTTTTTGCGCAAACGTGGTATGACAGA[C>T]GTTTGAAATTTAACAGCACCATTAAAGTCCTCCGATTGAACAGCAACATGGTGGGGAAAA-3'
Protein context (NP_944494.1, residues 115-135): IFFAQTWYDR[Arg125Cys]LKFNSTIKVL